The following is an entry in ClinVar:

NM_001382430.1(AKT1):c.727C>T (p.Arg243Cys)

Gene: AKT1 (AKT serine/threonine kinase 1; minus strand). Cytogenetic location: 14q32.33.
Variant type: single nucleotide variant.
Coding change: c.727C>T on transcript NM_001382430.1 (MANE Select); coding-DNA position 727, C replaced by T.
Protein change: p.Arg243Cys; replaces arginine 243 with cysteine.
Molecular consequence: missense variant.
Genome position (GRCh38, 1-based): chr14:104,773,556, G>A on the plus strand (C>T on the coding strand, the complement: AKT1 is on the minus strand). VCF-style: chr14-104773556-G-A. GRCh37 (hg19) VCF-style: chr14-105239893-G-A.
Other names: c.727C>T, p.Arg243Cys (NM_001014431.2, NM_001014432.2, NM_001382431.1 and 3 more transcripts); short protein forms R243C.
Identifiers: ClinVar variation 958100 (VCV000958100.9), dbSNP rs1340970650, ClinGen allele CA391218506.

ClinVar aggregate classification (germline): Uncertain significance (1 of 4 stars; one submission).

Conditions:
Cowden syndrome 6 (CWS6). Identifiers: Orphanet 201, MedGen C3554519, MONDO:0014048, OMIM 615109.

Allele frequency attached by ClinVar (database versions not stated): gnomAD exomes 0.00001.

Submission:

Labcorp Genetics (formerly Invitae), Labcorp
Classification: Uncertain significance for Cowden syndrome 6. Last evaluated: 2019-10-16. Review status: criteria provided, single submitter. Criteria: Invitae Variant Classification Sherloc (09022015). Collection method: clinical testing. Allele origin: germline.
Comment: This sequence change replaces arginine with cysteine at codon 243 of the AKT1 protein (p.Arg243Cys). The arginine residue is highly conserved and there is a large physicochemical difference between arginine and cysteine. Algorithms developed to predict the effect of missense changes on protein structure and function are either unavailable or do not agree on the potential impact of this missense change (SIFT: "Deleterious"; PolyPhen-2: "Probably Damaging"; Align-GVGD: "Class C15"). This variant has been observed in an individual affected with esophageal squamous cell carcinoma (PMID: 28459198). This variant is not present in population databases (ExAC no frequency). In summary, the available evidence is currently insufficient to determine the role of this variant in disease. Therefore, it has been classified as a Variant of Uncertain Significance.

Literature cited by the submitters: PubMed 28459198.